The following is an entry in ClinVar:

ClinVar aggregate classification (germline): Uncertain significance (1 of 4 stars; one submission).

Conditions:
Nemaline myopathy 2 (NEM2). Also called: Nemaline myopathy 2, autosomal recessive. Identifiers: MedGen C1850569, MONDO:0009725, OMIM 256030.

gnomAD v4.1: 3 of 1,613,954 alleles (0.00019%); highest among the groups gnomAD compares: Non-Finnish European, 0.00025%; no homozygotes.

Submission:

Labcorp Genetics (formerly Invitae), Labcorp
Classification: Uncertain significance for Nemaline myopathy 2. Last evaluated: 2024-09-12. Review status: criteria provided, single submitter. Criteria: Invitae Variant Classification Sherloc (09022015). Collection method: clinical testing. Allele origin: germline.
Comment: This sequence change replaces arginine, which is basic and polar, with proline, which is neutral and non-polar, at codon 2566 of the NEB protein (p.Arg2566Pro). This variant is not present in population databases (gnomAD no frequency). This variant has not been reported in the literature in individuals affected with NEB-related conditions. ClinVar contains an entry for this variant (Variation ID: 2177579). Experimental studies and prediction algorithms are not available or were not evaluated, and the functional significance of this variant is currently unknown. In summary, the available evidence is currently insufficient to determine the role of this variant in disease. Therefore, it has been classified as a Variant of Uncertain Significance.

NM_001164508.2(NEB):c.7697G>C (p.Arg2566Pro)

Gene: NEB (nebulin; minus strand). Cytogenetic location: 2q23.3.
Variant type: single nucleotide variant.
Coding change: c.7697G>C on transcript NM_001164508.2 (MANE Select); coding-DNA position 7697, G replaced by C.
Protein change: p.Arg2566Pro; replaces arginine 2566 with proline.
Molecular consequence: missense variant.
Genome position (GRCh38, 1-based): chr2:151,644,077, C>G on the plus strand (G>C on the coding strand, the complement: NEB is on the minus strand). VCF-style: chr2-151644077-C-G. GRCh37 (hg19) VCF-style: chr2-152500591-C-G.
Other names: c.7697G>C, p.Arg2566Pro (NM_001164507.2, NM_001271208.2, NM_004543.5); short protein forms R2566P.
Identifiers: ClinVar variation 2177579 (VCV002177579.3), dbSNP rs564304837, ClinGen allele CA348782712.